The following is an entry in ClinVar:

NM_022124.6(CDH23):c.6696del (p.Ala2232_Val2233insTer)

Gene: CDH23 (cadherin related 23; plus strand). Cytogenetic location: 10q22.1.
Variant type: Deletion.
Coding change: c.6696del on transcript NM_022124.6 (MANE Select); coding-DNA position 6696, one base deleted (T; older notation c.6696delT).
Protein change: p.Ala2232_Val2233insTer.
Molecular consequence: frameshift variant.
Genome position (GRCh38, 1-based): chr10:71,793,624, T deleted. VCF-style (leftmost placement, unchanged base first): chr10-71793623-CT-C. GRCh37 (hg19) VCF-style: chr10-73553380-CT-C.
Other names: c.6696del (NM_022124.5).
Identifiers: ClinVar variation 817561 (VCV000817561.19), dbSNP rs1278603247, ClinGen allele CA470061684.
Genomic context (GRCh38, chr10:71,793,623, plus strand): 5'-TCGGCATTGTGGCCAAGGACGACACTGATCGCCTGGTGCCCAACCAGGAGGACGCCTTTG[CT>C]GTGAATATCAACACAGGTACAAGGGCCTGCACCCCTCCCACCTCCCTCCCAGCTCCCAGT-3'

ClinVar aggregate classification (germline): Pathogenic/Likely pathogenic. Review status: criteria provided, multiple submitters, no conflicts (2 of 4 stars). 7 submissions from 7 submitters: Pathogenic (4); Likely pathogenic (3). Last evaluated 2026-01-20.

Conditions:
Pituitary adenoma 5, multiple types. Identifiers: MedGen C4539685, MONDO:0054601, OMIM 617540.
Autosomal recessive nonsyndromic hearing loss 12. Also called: DEAFNESS, AUTOSOMAL RECESSIVE 12. Identifiers: Orphanet 90636, MedGen C1832394, MONDO:0011067, OMIM 601386.
Usher syndrome type 1D (USH1D). Also called: USHER SYNDROME, TYPE ID. Identifiers: Orphanet 231169, Orphanet 886, MedGen C1832845, MONDO:0010984, OMIM 601067.
Usher syndrome type 1 (USH1). Also called: RETINITIS PIGMENTOSA AND CONGENITAL DEAFNESS. Identifiers: Orphanet 231169, Orphanet 886, MedGen C1568247, MONDO:0010168, OMIM 276900.
Retinal dystrophy. Also called: Inherited retinal dystrophy. Identifiers: Orphanet 71862, MedGen C0854723, MeSH D058499, MONDO:0019118, HP:0000556.

Allele frequency attached by ClinVar (database versions not stated): gnomAD 0.00001; gnomAD exomes 0.00001 and below 0.00001; TOPMed 0.00001; ESP Exome Variant Server 0.00008.

Submissions (7):

Labcorp Genetics (formerly Invitae), Labcorp
Classification: Pathogenic. Last evaluated: 2026-01-20. Review status: criteria provided, single submitter. Criteria: Invitae Variant Classification Sherloc (09022015). Collection method: clinical testing. Allele origin: germline.
Comment: This sequence change creates a premature translational stop signal (p.Val2233*) in the CDH23 gene. It is expected to result in an absent or disrupted protein product. Loss-of-function variants in CDH23 are known to be pathogenic (PMID: 11138009, 21940737, 35020051). The frequency data for this variant in the population databases is considered unreliable, as metrics indicate poor data quality at this position in the gnomAD database. This premature translational stop signal has been observed in individual(s) with autosomal recessive non-syndromic hearing loss (PMID: 26969326). ClinVar contains an entry for this variant (Variation ID: 817561). For these reasons, this variant has been classified as Pathogenic.

Natera, Inc.
Classification: Likely pathogenic for Usher syndrome type 1. Last evaluated: 2024-05-09. Review status: criteria provided, single submitter. Criteria: Natera Variant Classification Schema (03/2026). Collection method: clinical testing. Allele origin: germline.
Comment: The c.6696delT variant in CDH23 is a frameshift variant predicted to shift the reading frame and introduce a stop codon. This variant is expected to result in nonsense mediated decay, truncation, or a dysfunctional protein product. This variant is rare in the general population with a frequency below the threshold expected for the associated phenotype(s). Given the available evidence, this variant is classified as Likely Pathogenic.

GeneDx
Classification: Pathogenic. Last evaluated: 2024-05-06. Review status: criteria provided, single submitter. Criteria: GeneDx Variant Classification Process June 2021. Collection method: clinical testing. Allele origin: germline. Affected: yes.
Comment: Nonsense variant predicted to result in protein truncation or nonsense mediated decay in a gene for which loss-of-function is a known mechanism of disease; Not observed at a significant frequency in large population cohorts (gnomAD); This variant is associated with the following publications: (PMID: 26969326)

Baylor Genetics
Classification: Pathogenic for Pituitary adenoma 5, multiple types. Last evaluated: 2024-01-22. Review status: criteria provided, single submitter. Criteria: ACMG Guidelines, 2015. Collection method: clinical testing. Allele origin: unknown.

Fulgent Genetics
Classification: Likely pathogenic for Usher syndrome type 1D; Autosomal recessive nonsyndromic hearing loss 12; Pituitary adenoma 5, multiple types. Last evaluated: 2024-01-17. Review status: criteria provided, single submitter. Criteria: ACMG Guidelines, 2015. Collection method: clinical testing. Allele origin: germline.

Revvity Omics, Revvity
Classification: Likely pathogenic. Last evaluated: 2022-02-20. Review status: criteria provided, single submitter. Criteria: ACMG Guidelines, 2015. Collection method: clinical testing. Allele origin: germline.

Institute of Human Genetics, Univ. Regensburg, Univ. Regensburg
Classification: Pathogenic for Retinal dystrophy. Last evaluated: 2018-01-01. Review status: criteria provided, single submitter. Criteria: ACMG Guidelines, 2015. Collection method: clinical testing. Allele origin: germline. Affected: yes.

Literature cited by the submitters: PubMed 11138009 (cited by Labcorp Genetics (formerly Invitae), Labcorp); PubMed 21940737 (cited by Labcorp Genetics (formerly Invitae), Labcorp); PubMed 35020051 (cited by Labcorp Genetics (formerly Invitae), Labcorp); PubMed 26969326 (cited by Labcorp Genetics (formerly Invitae), Labcorp and Institute of Human Genetics, Univ. Regensburg, Univ. Regensburg).